The following is an entry in ClinVar:

ClinVar aggregate classification (germline): Likely benign (1 of 4 stars; one submission).

Conditions:
Stromme syndrome (STROMS). Also called: Ciliary dyskinesia, primary, 31; APPLE PEEL SYNDROME WITH MICROCEPHALY AND OCULAR ANOMALIES; Strømme Syndrome. Identifiers: Orphanet 444069, Orphanet 506307, MedGen C1855705, MONDO:0009477, OMIM 243605.

Allele frequency attached by ClinVar (database versions not stated): ExAC 0.00002; gnomAD 0.00001; TOPMed 0.00001; gnomAD exomes 0.00003.
gnomAD v4.1: 32 of 1,614,092 alleles (0.002%); highest among the groups gnomAD compares: Middle Eastern, 0.016%; no homozygotes.

Submission:

Centre for Mendelian Genomics, University Medical Centre Ljubljana
Classification: Likely benign for Stromme syndrome. Last evaluated: 2019-04-24. Review status: criteria provided, single submitter. Criteria: ACMG Guidelines, 2015. Collection method: clinical testing. Allele origin: unknown. Affected: yes.
Comment: This variant was classified as: Likely benign. The following ACMG criteria were applied in classifying this variant: PM2,BP1,BP4.

NM_016343.4(CENPF):c.9200C>T (p.Thr3067Met)

Gene: CENPF (centromere protein F; plus strand). Cytogenetic location: 1q41.
Variant type: single nucleotide variant.
Coding change: c.9200C>T on transcript NM_016343.4 (MANE Select); coding-DNA position 9200, C replaced by T.
Protein change: p.Thr3067Met; replaces threonine 3067 with methionine.
Molecular consequence: missense variant.
Genome position (GRCh38, 1-based): chr1:214,663,649, C>T. VCF-style: chr1-214663649-C-T. GRCh37 (hg19) VCF-style: chr1-214836992-C-T.
Other names: short protein forms T3067M.
Identifiers: ClinVar variation 931209 (VCV000931209.3), dbSNP rs752309258, ClinGen allele CA1391600.